The following is an entry in ClinVar:

ClinVar aggregate classification (germline): Uncertain significance (1 of 4 stars; one submission).

Conditions:
Inborn genetic diseases. Identifiers: MedGen C0950123, MeSH D030342.

Allele frequency attached by ClinVar (database versions not stated): TOPMed below 0.00001; gnomAD 0.00001.
gnomAD v4.1: 2 of 1,613,898 alleles (0.00012%); highest among the groups gnomAD compares: African/African-American, 0.0027%; no homozygotes.

Submission:

Ambry Genetics
Classification: Uncertain significance for Inborn genetic diseases. Last evaluated: 2022-02-23. Review status: criteria provided, single submitter. Criteria: Ambry Variant Classification Scheme 2023. Collection method: clinical testing. Allele origin: germline.
Comment: The p.P1768T variant (also known as c.5302C>A), located in coding exon 19 of the WNK1 gene, results from a C to A substitution at nucleotide position 5302. The proline at codon 1768 is replaced by threonine, an amino acid with highly similar properties. This amino acid position is not well conserved in available vertebrate species, and threonine is the reference amino acid in other vertebrate species. In addition, this alteration is predicted to be tolerated by in silico analysis. Since supporting evidence is limited at this time, the clinical significance of this alteration remains unclear.

NM_018979.4(WNK1):c.4546C>A (p.Pro1516Thr)

Gene: WNK1 (WNK lysine deficient protein kinase 1; plus strand). Cytogenetic location: 12p13.33.
Variant type: single nucleotide variant.
Coding change: c.4546C>A on transcript NM_018979.4 (MANE Select); coding-DNA position 4546, C replaced by A.
Protein change: p.Pro1516Thr; replaces proline 1516 with threonine.
Molecular consequence: missense variant.
Genome position (GRCh38, 1-based): chr12:885,350, C>A. VCF-style: chr12-885350-C-A. GRCh37 (hg19) VCF-style: chr12-994516-C-A.
Other names: c.5326C>A, p.Pro1776Thr (NM_001184985.2); c.3805C>A, p.Pro1269Thr (NM_014823.3); c.5302C>A, p.Pro1768Thr (NM_213655.5); short protein forms P1269T, P1516T, P1776T, P1768T.
Identifiers: ClinVar variation 1746712 (VCV001746712.2), dbSNP rs1183688055, ClinGen allele CA383331443.